The following is an entry in ClinVar:

ClinVar aggregate classification (germline): Uncertain significance (1 of 4 stars; one submission).

Submission:

Labcorp Genetics (formerly Invitae), Labcorp
Classification: Uncertain significance. Last evaluated: 2024-01-24. Review status: criteria provided, single submitter. Criteria: Invitae Variant Classification Sherloc (09022015). Collection method: clinical testing. Allele origin: germline.
Comment: This variant results in a copy number gain of the genomic region encompassing exon(s) 16-18 of the COL11A1 gene. While the exact position of this variant cannot be determined from the data, sub-genic copy number gains are generally in tandem (PMID: 25640679). This variant is predicted to be in-frame, and likely preserves the integrity of the reading frame. This variant has not been reported in the literature in individuals affected with COL11A1-related conditions. Experimental studies and prediction algorithms are not available or were not evaluated, and the functional significance of this variant is currently unknown. In summary, the available evidence is currently insufficient to determine the role of this variant in disease. Therefore, it has been classified as a Variant of Uncertain Significance.

Literature cited by the submitters: PubMed 25640679.

NC_000001.10:g.(?_103471374)_(103471891_?)dup

Gene: COL11A1 (collagen type XI alpha 1 chain; minus strand). Cytogenetic location: 1p21.1.
Variant type: Duplication.
Identifiers: ClinVar variation 1525882 (VCV001525882.5).